The following is an entry in ClinVar:

ClinVar aggregate classification (germline): Conflicting classifications of pathogenicity. Review status: criteria provided, conflicting classifications (1 of 4 stars). 6 submissions from 6 submitters: Uncertain significance (1); Benign (1); Likely benign (2). 2 of the submissions do not count toward it. Last evaluated 2025-10-21.

Conditions:
Intellectual disability. Also called: Intellectual functioning disability; intellectual disabilities; Intellectual developmental disorder. Identifiers: MedGen C3714756, MeSH D008607, MONDO:0001071, HP:0001249.
Nance-Horan syndrome (NHS). Identifiers: Orphanet 627, MedGen C0796085, MONDO:0010545, OMIM 302350.
Inborn genetic diseases. Identifiers: MedGen C0950123, MeSH D030342.

Allele frequency attached by ClinVar (database versions not stated): gnomAD exomes 0.00014; TOPMed 0.00015; gnomAD 0.00020; ESP Exome Variant Server 0.00009; ExAC 0.00014.
gnomAD v4.1: 373 of 1,211,318 alleles (0.031%); highest among the groups gnomAD compares: Non-Finnish European, 0.04%; no homozygotes.

Submissions (6):

Labcorp Genetics (formerly Invitae), Labcorp
Classification: Uncertain significance for Nance-Horan syndrome. Last evaluated: 2025-10-21. Review status: criteria provided, single submitter. Criteria: Invitae Variant Classification Sherloc (09022015). Collection method: clinical testing. Allele origin: germline.
Comment: This sequence change replaces serine, which is neutral and polar, with phenylalanine, which is neutral and non-polar, at codon 1625 of the NHS protein (p.Ser1625Phe). The frequency data for this variant in the population databases is considered unreliable, as metrics indicate poor data quality at this position in the gnomAD database. This variant has not been reported in the literature in individuals affected with NHS-related conditions. ClinVar contains an entry for this variant (Variation ID: 1175807). An algorithm developed to predict the effect of missense changes on protein structure and function (PolyPhen-2) suggests that this variant is likely to be disruptive. In summary, the available evidence is currently insufficient to determine the role of this variant in disease. Therefore, it has been classified as a Variant of Uncertain Significance.

CeGaT Center for Human Genetics Tuebingen
Classification: Likely benign. Last evaluated: 2021-07-01. Review status: criteria provided, single submitter. Criteria: CeGaT Center For Human Genetics Tuebingen Variant Classification Criteria Version 2. Collection method: clinical testing. Allele origin: germline. Affected: yes. Observed: 1 variant allele.

Cambridge Genomics Laboratory, East Genomic Laboratory Hub, NHS Genomic Medicine Service
Classification: Likely benign for Intellectual disability. Last evaluated: 2019-04-17. Review status: criteria provided, single submitter. Criteria: ACGS Best Practice Guidelines for Variant Classification in Rare Disease 2020. Collection method: clinical testing. Allele origin: germline. Affected: yes. Observed: 1 variant allele.

Ambry Genetics
Classification: Benign for Inborn genetic diseases. Last evaluated: 2017-06-22. Review status: criteria provided, single submitter. Criteria: Ambry Variant Classification Scheme 2023. Collection method: clinical testing. Allele origin: germline.

Clinical Genetics DNA and cytogenetics Diagnostics Lab, Erasmus MC, Erasmus Medical Center
Classification: Likely benign. Review status: no assertion criteria provided. Collection method: clinical testing. Allele origin: germline. Affected: yes. Study: VKGL Data-share Consensus. Not counted in ClinVar's aggregate classification.

Genome Diagnostics Laboratory, University Medical Center Utrecht
Classification: Likely benign. Review status: no assertion criteria provided. Collection method: clinical testing. Allele origin: germline. Affected: yes. Study: VKGL Data-share Consensus. Not counted in ClinVar's aggregate classification.

NM_001291867.2(NHS):c.4937C>T (p.Ser1646Phe)

Gene: NHS (NHS actin remodeling regulator; plus strand). Cytogenetic location: Xp22.13.
Variant type: single nucleotide variant.
Coding change: c.4937C>T on transcript NM_001291867.2 (MANE Select); coding-DNA position 4937, C replaced by T.
Protein change: p.Ser1646Phe; replaces serine 1646 with phenylalanine.
Molecular consequence: missense variant.
Genome position (GRCh38, 1-based): chrX:17,732,445, C>T. VCF-style: chrX-17732445-C-T. GRCh37 (hg19) VCF-style: chrX-17750565-C-T.
Other names: c.4406C>T, p.Ser1469Phe (NM_001136024.4); c.4343C>T, p.Ser1448Phe (NM_001291868.2); c.4874C>T, p.Ser1625Phe (NM_198270.4); short protein forms S1448F, S1469F, S1625F, S1646F.
Identifiers: ClinVar variation 1175807 (VCV001175807.45), dbSNP rs374462247, ClinGen allele CA10358968.